The following is an entry in ClinVar:

ClinVar aggregate classification (germline): Benign/Likely benign. Review status: criteria provided, multiple submitters, no conflicts (2 of 4 stars). 3 submissions from 3 submitters: Benign (1); Likely benign (2). Last evaluated 2025-11-03.

Conditions:
Hereditary cancer-predisposing syndrome. Also called: Neoplastic Syndromes, Hereditary; Hereditary neoplastic syndrome; Tumor predisposition; Hereditary Cancer Syndrome. Identifiers: Orphanet 140162, MedGen C0027672, MeSH D009386, MONDO:0015356.
Hereditary nonpolyposis colorectal neoplasms. Identifiers: MedGen C0009405, MeSH D003123.
Lynch syndrome 4 (LYNCH4). Also called: Hereditary non-polyposis colorectal cancer, type 4; Colorectal cancer, hereditary nonpolyposis, type 4. Identifiers: Orphanet 144, MedGen C1838333, MONDO:0013699, OMIM 614337. Disease mechanism: loss of function.

gnomAD v4.1: 1 of 1,604,106 alleles (0.000062%); highest among the groups gnomAD compares: Non-Finnish European, 0.000085%; no homozygotes.

Submissions (3):

Labcorp Genetics (formerly Invitae), Labcorp
Classification: Likely benign for Hereditary nonpolyposis colorectal neoplasms. Last evaluated: 2025-11-03. Review status: criteria provided, single submitter. Criteria: Invitae Variant Classification Sherloc (09022015). Collection method: clinical testing. Allele origin: germline.

Myriad Genetics, Inc.
Classification: Benign for Lynch syndrome 4. Last evaluated: 2025-02-03. Review status: criteria provided, single submitter. Criteria: Myriad Autosomal Dominant, Autosomal Recessive and X-Linked Classification Criteria (2023). Collection method: clinical testing. Allele origin: unknown.
Comment: This variant is considered benign. This variant is a silent/synonymous amino acid change and it is not expected to impact splicing.

Ambry Genetics
Classification: Likely benign for Hereditary cancer-predisposing syndrome. Last evaluated: 2024-09-30. Review status: criteria provided, single submitter. Criteria: Ambry Variant Classification Scheme 2023. Collection method: clinical testing. Allele origin: germline.

NM_000535.7(PMS2):c.2247T>C (p.Asn749=)

Gene: PMS2 (PMS1 homolog 2, mismatch repair system component; minus strand). Cytogenetic location: 7p22.1.
Variant type: single nucleotide variant.
Coding change: c.2247T>C on transcript NM_000535.7 (MANE Select); coding-DNA position 2247, T replaced by C.
Protein change: p.Asn749=; no amino-acid change (asparagine 749 retained).
Molecular consequence: synonymous variant. On other transcripts: non-coding transcript variant (1).
Genome position (GRCh38, 1-based): chr7:5,978,624, A>G on the plus strand (T>C on the coding strand, the complement: PMS2 is on the minus strand). VCF-style: chr7-5978624-A-G. GRCh37 (hg19) VCF-style: chr7-6018255-A-G.
Other names: c.1842T>C, p.Asn614= (NM_001322003.2, NM_001322004.2, NM_001322005.2 and 1 more transcripts); c.2091T>C, p.Asn697= (NM_001322006.2); c.1929T>C, p.Asn643= (NM_001322007.2, NM_001322008.2); c.1686T>C, p.Asn562= (NM_001322010.2); c.1314T>C, p.Asn438= (NM_001322011.2, NM_001322012.2); c.1674T>C, p.Asn558= (NM_001322013.2); c.2247T>C, p.Asn749= (NM_001322014.2); c.1938T>C, p.Asn646= (NM_001322015.2).
Identifiers: ClinVar variation 793949 (VCV000793949.12), dbSNP rs200824831, ClinGen allele CA453642629.